The following is an entry in ClinVar:

NM_152564.5(VPS13B):c.6931A>T (p.Met2311Leu)

Gene: VPS13B (vacuolar protein sorting 13 homolog B; plus strand). Cytogenetic location: 8q22.2.
Variant type: single nucleotide variant.
Coding change: c.6931A>T on transcript NM_152564.5 (MANE Select); coding-DNA position 6931, A replaced by T.
Protein change: p.Met2311Leu; replaces methionine 2311 with leucine.
Molecular consequence: missense variant.
Genome position (GRCh38, 1-based): chr8:99,720,928, A>T. VCF-style: chr8-99720928-A-T. GRCh37 (hg19) VCF-style: chr8-100733156-A-T.
Other names: c.7006A>T, p.Met2336Leu (NM_017890.5); short protein forms M2311L, M2336L.
Identifiers: ClinVar variation 1309410 (VCV001309410.2), dbSNP rs797046095, ClinGen allele CA371868382.

ClinVar aggregate classification (germline): Uncertain significance (1 of 4 stars; one submission).

gnomAD v4.1: 1 of 1,614,020 alleles (0.000062%); no homozygotes.

Submission:

GeneDx
Classification: Uncertain significance. Last evaluated: 2019-11-01. Review status: criteria provided, single submitter. Criteria: GeneDx Variant Classification Process June 2021. Collection method: clinical testing. Allele origin: germline. Affected: yes.
Comment: Not observed in large population cohorts (Lek et al., 2016); In silico analysis, which includes protein predictors and evolutionary conservation, supports that this variant does not alter protein structure/function; Has not been previously published as pathogenic or benign to our knowledge